The following is an entry in ClinVar:

ClinVar aggregate classification (germline): Uncertain significance (0 of 4 stars; one submission).

Conditions:
NRP2-related disorder. Also called: NRP2-related condition.

gnomAD v4.1: 1 of 1,613,234 alleles (0.000062%); highest among the groups gnomAD compares: Non-Finnish European, 0.000085%; no homozygotes.

Submission:

PreventionGenetics, part of Exact Sciences
Classification: Uncertain significance for NRP2-related condition. Last evaluated: 2024-01-04. Review status: no assertion criteria provided. Collection method: clinical testing. Allele origin: germline.
Comment: The NRP2 c.2618A>G variant is predicted to result in the amino acid substitution p.His873Arg. To our knowledge, this variant has not been reported in the literature or in a large population database, indicating this variant is rare. At this time, the clinical significance of this variant is uncertain due to the absence of conclusive functional and genetic evidence.

NM_003872.3(NRP2):c.2425+9620A>G

Gene: NRP2 (neuropilin 2; plus strand). Cytogenetic location: 2q33.3.
Variant type: single nucleotide variant.
Coding change: c.2425+9620A>G on transcript NM_003872.3 (MANE Select); 9620 bases into the intron after coding-DNA position 2425, A replaced by G.
Molecular consequence: intron variant. On other transcripts: missense variant (2).
Genome position (GRCh38, 1-based): chr2:205,776,423, A>G. VCF-style: chr2-205776423-A-G. GRCh37 (hg19) VCF-style: chr2-206641147-A-G.
Other names: c.2618A>G, p.His873Arg (NM_018534.4); c.2603A>G, p.His868Arg (NM_201267.2); c.2440+9605A>G (NM_201266.2); c.2425+9620A>G (NM_201279.2); short protein forms H868R, H873R.
Identifiers: ClinVar variation 3349688 (VCV003349688.1).
Genomic context (GRCh38, chr2:205,776,423, plus strand): 5'-TCGCGCTGGCCCTGGTGCTCCACTACCACCGGTTCCGCTATGCGGCCAAGAAGACCGATC[A>G]CTCCATCACCTACAAAACCTCCCACTACACCAACGGGGCCCCTCTGGCGGTGGAGCCCAC-3'